The following is an entry in ClinVar:

NC_012920.1(MT-TI):m.4320C>A

Gene: MT-TI (mitochondrially encoded tRNA isoleucine; plus strand).
Variant type: single nucleotide variant.
Genome position: chrM-4320-C-A.
Identifiers: ClinVar variation 689884 (VCV000689884.1), dbSNP rs1603219406, ClinGen allele CA913177719.

ClinVar aggregate classification (germline): Uncertain significance (1 of 4 stars; one submission).

Conditions:
MELAS syndrome (MELAS). Also called: Juvenile myopathy, encephalopathy, lactic acidosis, stroke. Identifiers: Orphanet 550, MedGen C0162671, MONDO:0010789, OMIM 540000.

Submission:

Wong Mito Lab, Molecular and Human Genetics, Baylor College of Medicine
Classification: Uncertain significance for MELAS syndrome. Last evaluated: 2019-07-12. Review status: criteria provided, single submitter. Criteria: Modified ACMG Guidelines (Unpublished). Collection method: clinical testing. Allele origin: germline.
Comment: The NC_012920.1:m.4320C>A variant in MT-TI gene is interpreted to be a Unknown Significance variant based on the modified ACMG guidelines (unpublished). This variant meets the following evidence codes reported in the guidelines: PP3, PP7, BP6

Literature cited by the submitters: PubMed 31965079.